The following is an entry in ClinVar:

ClinVar aggregate classification (germline): Uncertain significance (1 of 4 stars; one submission).

Allele frequency attached by ClinVar (database versions not stated): gnomAD exomes 0.00001.
gnomAD v4.1: 3 of 1,211,284 alleles (0.00025%); highest among the groups gnomAD compares: Non-Finnish European, 0.00034%; no homozygotes.

Submission:

Labcorp Genetics (formerly Invitae), Labcorp
Classification: Uncertain significance. Last evaluated: 2022-05-27. Review status: criteria provided, single submitter. Criteria: Invitae Variant Classification Sherloc (09022015). Collection method: clinical testing. Allele origin: germline.
Comment: This variant has not been reported in the literature in individuals affected with SH3KBP1-related conditions. This sequence change replaces threonine, which is neutral and polar, with alanine, which is neutral and non-polar, at codon 88 of the SH3KBP1 protein (p.Thr88Ala). This variant is present in population databases (no rsID available, gnomAD 0.001%). Algorithms developed to predict the effect of missense changes on protein structure and function (SIFT, PolyPhen-2, Align-GVGD) all suggest that this variant is likely to be tolerated. In summary, the available evidence is currently insufficient to determine the role of this variant in disease. Therefore, it has been classified as a Variant of Uncertain Significance.

NM_031892.3(SH3KBP1):c.262A>G (p.Thr88Ala)

Gene: SH3KBP1 (SH3 domain containing kinase binding protein 1; minus strand). Cytogenetic location: Xp22.12.
Variant type: single nucleotide variant.
Coding change: c.262A>G on transcript NM_031892.3 (MANE Select); coding-DNA position 262, A replaced by G.
Protein change: p.Thr88Ala; replaces threonine 88 with alanine.
Molecular consequence: missense variant.
Genome position (GRCh38, 1-based): chrX:19,746,342, T>C on the plus strand (A>G on the coding strand, the complement: SH3KBP1 is on the minus strand). VCF-style: chrX-19746342-T-C. GRCh37 (hg19) VCF-style: chrX-19764460-T-C.
Other names: c.151A>G, p.Thr51Ala (NM_001024666.3); c.262A>G, p.Thr88Ala (NM_001353890.2, NM_001353891.2, NM_001353892.2 and 2 more transcripts); c.85A>G, p.Thr29Ala (NM_001353893.2, NM_001353894.2, NM_001353895.2 and 1 more transcripts); short protein forms T51A, T29A, T88A.
Identifiers: ClinVar variation 1905884 (VCV001905884.5), dbSNP rs1364034831, ClinGen allele CA412496372.